The following is an entry in ClinVar:

ClinVar aggregate classification (germline): Uncertain significance (1 of 4 stars; one submission).

Allele frequency attached by ClinVar (database versions not stated): TOPMed below 0.00001; ExAC 0.00001; gnomAD 0.00001; gnomAD exomes 0.00001.
gnomAD v4.1: 16 of 1,613,408 alleles (0.00099%); highest among the groups gnomAD compares: East Asian, 0.013%; no homozygotes.

Submission:

Labcorp Genetics (formerly Invitae), Labcorp
Classification: Uncertain significance. Last evaluated: 2024-08-29. Review status: criteria provided, single submitter. Criteria: Invitae Variant Classification Sherloc (09022015). Collection method: clinical testing. Allele origin: germline.
Comment: This sequence change replaces proline, which is neutral and non-polar, with leucine, which is neutral and non-polar, at codon 1176 of the AHDC1 protein (p.Pro1176Leu). This variant is present in population databases (rs750643050, gnomAD 0.003%). This variant has not been reported in the literature in individuals affected with AHDC1-related conditions. ClinVar contains an entry for this variant (Variation ID: 1358583). An algorithm developed to predict the effect of missense changes on protein structure and function (PolyPhen-2) suggests that this variant is likely to be disruptive. In summary, the available evidence is currently insufficient to determine the role of this variant in disease. Therefore, it has been classified as a Variant of Uncertain Significance.

NM_001371928.1(AHDC1):c.3527C>T (p.Pro1176Leu)

Gene: AHDC1 (AT-hook DNA binding motif containing 1; minus strand). Cytogenetic location: 1p36.11.
Variant type: single nucleotide variant.
Coding change: c.3527C>T on transcript NM_001371928.1 (MANE Select); coding-DNA position 3527, C replaced by T.
Protein change: p.Pro1176Leu; replaces proline 1176 with leucine.
Molecular consequence: missense variant.
Genome position (GRCh38, 1-based): chr1:27,548,589, G>A on the plus strand (C>T on the coding strand, the complement: AHDC1 is on the minus strand). VCF-style: chr1-27548589-G-A. GRCh37 (hg19) VCF-style: chr1-27875100-G-A.
Other names: c.3527C>T, p.Pro1176Leu (NM_001029882.3); short protein forms P1176L.
Identifiers: ClinVar variation 1358583 (VCV001358583.8), dbSNP rs750643050, ClinGen allele CA715549.
Genomic context (GRCh38, chr1:27,548,589, plus strand): 5'-GACTGGCCCTCACTACTTGAGGCCTCGCTGTTGGCACGCCGAAACCCCCCGCCACCAACC[G>A]GCTGATTGAACTGGGTGCTGTCGGAGGATGACTCAGAGAAGGTCTCCGACACAGCCGTCT-3'
Protein context (NP_001358857.1, residues 1166-1186): SSSDSTQFNQ[Pro1176Leu]VGGGGFRRAN